The following is an entry in ClinVar:

NM_001904.4(CTNNB1):c.1145T>C (p.Leu382Pro)

Gene: CTNNB1 (catenin beta 1; plus strand). Cytogenetic location: 3p22.1.
Variant type: single nucleotide variant.
Coding change: c.1145T>C on transcript NM_001904.4 (MANE Select); coding-DNA position 1145, T replaced by C.
Protein change: p.Leu382Pro; replaces leucine 382 with proline.
Molecular consequence: missense variant.
Genome position (GRCh38, 1-based): chr3:41,233,404, T>C. VCF-style: chr3-41233404-T-C. GRCh37 (hg19) VCF-style: chr3-41274895-T-C.
Other names: c.1145T>C, p.Leu382Pro (NM_001098209.2, NM_001098210.2); c.1124T>C, p.Leu375Pro (NM_001330729.2); short protein forms L382P, L375P.
Identifiers: ClinVar variation 423116 (VCV000423116.3), dbSNP rs1064796240, ClinGen allele CA16617965.

ClinVar aggregate classification (germline): Likely pathogenic. Review status: criteria provided, multiple submitters, no conflicts (2 of 4 stars). 2 submissions from 2 submitters: Likely pathogenic (2). Last evaluated 2026-03-09.

Conditions:
Inborn genetic diseases. Identifiers: MedGen C0950123, MeSH D030342.

Submissions (2):

Ambry Genetics
Classification: Likely pathogenic for Inborn genetic diseases. Last evaluated: 2026-03-09. Review status: criteria provided, single submitter. Criteria: Ambry Variant Classification Scheme 2023. Collection method: clinical testing. Allele origin: germline.
Comment: The c.1145T>C (p.L382P) alteration is located in exon 8 (coding exon 7) of the CTNNB1 gene. This alteration results from a T to C substitution at nucleotide position 1145, causing the leucine (L) at amino acid position 382 to be replaced by a proline (P). This variant was not reported in population-based cohorts in the Genome Aggregation Database (gnomAD). This variant was determined to be de novo in at least one individual with features consistent with neurodevelopmental disorder (External communication). This amino acid position is highly conserved in available vertebrate species. This alteration is predicted to be deleterious by in silico analysis. Based on the available evidence, this alteration is classified as likely pathogenic.

GeneDx
Classification: Likely pathogenic. Last evaluated: 2017-01-31. Review status: criteria provided, single submitter. Criteria: GeneDx Variant Classification (06012015). Collection method: clinical testing. Allele origin: germline. Affected: yes.
Comment: The L382P variant in the CTNNB1 gene has not been reported previously as a pathogenic variant, nor as a benign variant, to our knowledge. The L382P variant is not observed in large population cohorts (Lek et al., 2016; 1000 Genomes Consortium et al., 2015; Exome Variant Server). The L382P variant is a semi-conservative amino acid substitution, which may impact secondary protein structure as these residues differ in some properties. This substitution occurs at a position that is conserved across species. Additionally, in silico analysis predicts this variant is probably damaging to the protein structure/function. Therefore, we interpret L382P as a likely pathogenic variant, consistent with the clinical features reported in this individual.